The following is an entry in ClinVar:

ClinVar aggregate classification (germline): Benign/Likely benign. Review status: criteria provided, multiple submitters, no conflicts (2 of 4 stars). 4 submissions from 4 submitters: Benign (1); Likely benign (3). Last evaluated 2026-04-01.

Conditions:
Inborn genetic diseases. Identifiers: MedGen C0950123, MeSH D030342.
Wilms tumor 1 (WT1). Also called: Wilms tumor, somatic. Identifiers: Orphanet 654, MedGen CN033288, MONDO:0008679, OMIM 194070.

Allele frequency attached by ClinVar (database versions not stated): gnomAD exomes 0.00002 and 0.00008; gnomAD 0.00003; ExAC 0.00008.
gnomAD v4.1: 20 of 1,192,763 alleles (0.0017%); highest among the groups gnomAD compares: Admixed American, 0.043%; no homozygotes.

Submissions (4):

CeGaT Center for Human Genetics Tuebingen
Classification: Likely benign. Last evaluated: 2026-04-01. Review status: criteria provided, single submitter. Criteria: CeGaT Center For Human Genetics Tuebingen Variant Classification Criteria Version 2. Collection method: clinical testing. Allele origin: germline. Affected: yes. Observed: 1 variant allele.
Comment: GPC3: BS2

Labcorp Genetics (formerly Invitae), Labcorp
Classification: Benign for Wilms tumor 1. Last evaluated: 2025-10-07. Review status: criteria provided, single submitter. Criteria: Invitae Variant Classification Sherloc (09022015). Collection method: clinical testing. Allele origin: germline.

Ambry Genetics
Classification: Likely benign for Inborn genetic diseases. Last evaluated: 2025-08-05. Review status: criteria provided, single submitter. Criteria: Ambry Variant Classification Scheme 2023. Collection method: clinical testing. Allele origin: germline.

GeneDx
Classification: Likely benign. Last evaluated: 2020-10-13. Review status: criteria provided, single submitter. Criteria: GeneDx Variant Classification Process June 2021. Collection method: clinical testing. Allele origin: germline. Affected: yes.

NM_004484.4(GPC3):c.365C>T (p.Ala122Val)

Gene: GPC3 (glypican 3; minus strand). Cytogenetic location: Xq26.2.
Variant type: single nucleotide variant.
Coding change: c.365C>T on transcript NM_004484.4 (MANE Select); coding-DNA position 365, C replaced by T.
Protein change: p.Ala122Val; replaces alanine 122 with valine.
Molecular consequence: missense variant.
Genome position (GRCh38, 1-based): chrX:133,754,149, G>A on the plus strand (C>T on the coding strand, the complement: GPC3 is on the minus strand). VCF-style: chrX-133754149-G-A. GRCh37 (hg19) VCF-style: chrX-132888176-G-A.
Other names: c.365C>T, p.Ala122Val (NM_001164617.2); c.317C>T, p.Ala106Val (NM_001164618.2); c.203C>T, p.Ala68Val (NM_001164619.2); short protein forms A68V, A106V, A122V.
Identifiers: ClinVar variation 701769 (VCV000701769.16), dbSNP rs779679730, ClinGen allele CA10520838.